The following is an entry in ClinVar:

ClinVar aggregate classification (germline): Uncertain significance (1 of 4 stars; one submission).

Conditions:
TNF receptor-associated periodic fever syndrome (TRAPS) (FPF). Also called: FAMILIAL HIBERNIAN FEVER; TNF RECEPTOR-ASSOCIATED PERIODIC SYNDROME; TUMOR NECROSIS FACTOR RECEPTOR-ASSOCIATED PERIODIC SYNDROME; Autosomal Dominant Familial Periodic Fever; TNF Receptor-Associated Periodic Fever Syndrome; TNF receptor 1-associated periodic fever syndrome. Identifiers: Orphanet 32960, MedGen C1275126, MONDO:0007727, OMIM 142680.

gnomAD v4.1: 5 of 1,613,234 alleles (0.00031%); highest among the groups gnomAD compares: Non-Finnish European, 0.00042%; no homozygotes.

Submission:

Labcorp Genetics (formerly Invitae), Labcorp
Classification: Uncertain significance for TNF receptor-associated periodic fever syndrome (TRAPS). Last evaluated: 2025-08-11. Review status: criteria provided, single submitter. Criteria: Invitae Variant Classification Sherloc (09022015). Collection method: clinical testing. Allele origin: germline.
Comment: This sequence change replaces arginine, which is basic and polar, with glycine, which is neutral and non-polar, at codon 121 of the TNFRSF1A protein (p.Arg121Gly). This variant is not present in population databases (gnomAD no frequency). This variant has not been reported in the literature in individuals affected with TNFRSF1A-related conditions. Invitae Evidence Modeling of protein sequence and biophysical properties (such as structural, functional, and spatial information, amino acid conservation, physicochemical variation, residue mobility, and thermodynamic stability) has been performed for this missense variant. However, the output from this modeling did not meet the statistical confidence thresholds required to predict the impact of this variant on TNFRSF1A protein function. In summary, the available evidence is currently insufficient to determine the role of this variant in disease. Therefore, it has been classified as a Variant of Uncertain Significance.

NM_001065.4(TNFRSF1A):c.361C>G (p.Arg121Gly)

Gene: TNFRSF1A (TNF receptor superfamily member 1A; minus strand). Cytogenetic location: 12p13.31.
Variant type: single nucleotide variant.
Coding change: c.361C>G on transcript NM_001065.4 (MANE Select); coding-DNA position 361, C replaced by G.
Protein change: p.Arg121Gly; replaces arginine 121 with glycine.
Molecular consequence: missense variant. On other transcripts: 5 prime UTR variant (1), non-coding transcript variant (1).
Genome position (GRCh38, 1-based): chr12:6,333,478, G>C on the plus strand (C>G on the coding strand, the complement: TNFRSF1A is on the minus strand). VCF-style: chr12-6333478-G-C. GRCh37 (hg19) VCF-style: chr12-6442644-G-C.
Other names: c.37C>G, p.Arg13Gly (NM_001346091.2); c.-217C>G (NM_001346092.2); short protein forms R13G, R121G.
Identifiers: ClinVar variation 4695863 (VCV004695863.1).